The following is an entry in ClinVar:

NM_000632.4(ITGAM):c.1697C>T (p.Ser566Phe)

Gene: ITGAM (integrin subunit alpha M; plus strand). Cytogenetic location: 16p11.2.
Variant type: single nucleotide variant.
Coding change: c.1697C>T on transcript NM_000632.4 (MANE Select); coding-DNA position 1697, C replaced by T.
Protein change: p.Ser566Phe; replaces serine 566 with phenylalanine.
Molecular consequence: missense variant.
Genome position (GRCh38, 1-based): chr16:31,297,944, C>T. VCF-style: chr16-31297944-C-T. GRCh37 (hg19) VCF-style: chr16-31309265-C-T.
Other names: c.1697C>T (NM_000632.3); c.1700C>T, p.Ser567Phe (NM_001145808.2); short protein forms S567F, S566F.
Identifiers: ClinVar variation 1427281 (VCV001427281.8), dbSNP rs753778747, ClinGen allele CA8025625.

ClinVar aggregate classification (germline): Uncertain significance. Review status: criteria provided, multiple submitters, no conflicts (2 of 4 stars). 2 submissions from 2 submitters: Uncertain significance (2). Last evaluated 2025-11-06.

Allele frequency attached by ClinVar (database versions not stated): ExAC 0.00004; gnomAD exomes 0.00004 and 0.00006; gnomAD 0.00020 and 0.00022; TOPMed 0.00027.
gnomAD v4.1: 114 of 1,613,390 alleles (0.0071%); highest among the groups gnomAD compares: Admixed American, 0.058%; no homozygotes.

Submissions (2):

Labcorp Genetics (formerly Invitae), Labcorp
Classification: Uncertain significance. Last evaluated: 2025-11-06. Review status: criteria provided, single submitter. Criteria: Invitae Variant Classification Sherloc (09022015). Collection method: clinical testing. Allele origin: germline.
Comment: This sequence change replaces serine, which is neutral and polar, with phenylalanine, which is neutral and non-polar, at codon 566 of the ITGAM protein (p.Ser566Phe). This variant is present in population databases (rs753778747, gnomAD 0.006%). This variant has not been reported in the literature in individuals affected with ITGAM-related conditions. ClinVar contains an entry for this variant (Variation ID: 1427281). An algorithm developed to predict the effect of missense changes on protein structure and function (PolyPhen-2) suggests that this variant is likely to be tolerated. In summary, the available evidence is currently insufficient to determine the role of this variant in disease. Therefore, it has been classified as a Variant of Uncertain Significance.

Ambry Genetics
Classification: Uncertain significance. Last evaluated: 2024-08-01. Review status: criteria provided, single submitter. Criteria: Ambry Variant Classification Scheme 2023. Collection method: clinical testing. Allele origin: germline.